The following is an entry in ClinVar:

NM_000051.4(ATM):c.7768C>G (p.Gln2590Glu)

Genes: C11orf65 (chromosome 11 open reading frame 65; minus strand), ATM (ATM serine/threonine kinase; plus strand). Cytogenetic location: 11q22.3.
Variant type: single nucleotide variant.
Coding change: c.7768C>G on transcript NM_000051.4 (MANE Select); coding-DNA position 7768, C replaced by G.
Protein change: p.Gln2590Glu; replaces glutamine 2590 with glutamic acid.
Molecular consequence: missense variant. On other transcripts: intron variant (2).
Genome position (GRCh38, 1-based): chr11:108,332,017, C>G. VCF-style: chr11-108332017-C-G. GRCh37 (hg19) VCF-style: chr11-108202744-C-G.
Other names: c.7768C>G, p.Gln2590Glu (NM_001351834.2); c.641-22946G>C (NM_001330368.2); c.*38+3203G>C (NM_001351110.2); short protein forms Q2590E.
Identifiers: ClinVar variation 232109 (VCV000232109.13), dbSNP rs876659561, ClinGen allele CA10579269.

ClinVar aggregate classification (germline): Uncertain significance. Review status: criteria provided, multiple submitters, no conflicts (2 of 4 stars). 2 submissions from 2 submitters: Uncertain significance (2). Last evaluated 2021-02-17.

Conditions:
Hereditary cancer-predisposing syndrome. Also called: Neoplastic Syndromes, Hereditary; Hereditary neoplastic syndrome; Tumor predisposition; Hereditary Cancer Syndrome. Identifiers: Orphanet 140162, MedGen C0027672, MeSH D009386, MONDO:0015356.
Ataxia-telangiectasia syndrome (AT). Also called: Ataxia telangiectasia (A-T); Cerebello-oculocutaneous telangiectasia; Immunodeficiency with ataxia telangiectasia; LOUIS-BAR SYNDROME; AT, COMPLEMENTATION GROUP C; ATAXIA-TELANGIECTASIA, FRESNO VARIANT. Identifiers: Orphanet 100, MedGen C0004135, MONDO:0008840, OMIM 208900.

Submissions (2):

Labcorp Genetics (formerly Invitae), Labcorp
Classification: Uncertain significance for Ataxia-telangiectasia syndrome. Last evaluated: 2021-02-17. Review status: criteria provided, single submitter. Criteria: Invitae Variant Classification Sherloc (09022015). Collection method: clinical testing. Allele origin: germline.
Comment: Algorithms developed to predict the effect of missense changes on protein structure and function output the following: SIFT: "Tolerated"; PolyPhen-2: "Benign"; Align-GVGD: "Class C0". The glutamic acid amino acid residue is found in multiple mammalian species, suggesting that this missense change does not adversely affect protein function. These predictions have not been confirmed by published functional studies and their clinical significance is uncertain. In summary, the available evidence is currently insufficient to determine the role of this variant in disease. Therefore, it has been classified as a Variant of Uncertain Significance. This variant has not been reported in the literature in individuals with ATM-related conditions. ClinVar contains an entry for this variant (Variation ID: 232109). This variant is not present in population databases (ExAC no frequency). This sequence change replaces glutamine with glutamic acid at codon 2590 of the ATM protein (p.Gln2590Glu). The glutamine residue is moderately conserved and there is a small physicochemical difference between glutamine and glutamic acid.

Ambry Genetics
Classification: Uncertain significance for Hereditary cancer-predisposing syndrome. Last evaluated: 2015-06-05. Review status: criteria provided, single submitter. Criteria: Ambry Variant Classification Scheme 2023. Collection method: clinical testing. Allele origin: germline.
Comment: The p.Q2590E variant (also known as c.7768C>G), located in coding exon 51 of the ATM gene, results from a C to G substitution at nucleotide position 7768. The glutamine at codon 2590 is replaced by glutamic acid, an amino acid with highly similar properties. This variant was not reported in population based cohorts in the following databases: Database of Single Nucleotide Polymorphisms (dbSNP), NHLBI Exome Sequencing Project (ESP), and 1000 Genomes Project. In the ESP, this variant was not observed in 6499 samples (12998 alleles) with coverage at this position. To date, this alteration has been detected with an allele frequency of approximately 0.002% (greater than 66000 alleles tested) in our clinical cohort. This amino acid position is not well conserved however, glutamine is a reference amino acid in several species. In addition, this alteration is predicted to be tolerated by in silico analysis. Since supporting evidence is limited at this time, the clinical significance of this variant remains unclear.